The following is an entry in ClinVar:

NM_000330.4(RS1):c.184+9C>T

Gene: RS1 (retinoschisin 1; minus strand). Cytogenetic location: Xp22.13.
Variant type: single nucleotide variant.
Coding change: c.184+9C>T on transcript NM_000330.4 (MANE Select); 9 bases into the intron after coding-DNA position 184, C replaced by T.
Molecular consequence: intron variant.
Genome position (GRCh38, 1-based): chrX:18,656,644, G>A on the plus strand (C>T on the coding strand, the complement: RS1 is on the minus strand). VCF-style: chrX-18656644-G-A. GRCh37 (hg19) VCF-style: chrX-18674764-G-A.
Identifiers: ClinVar variation 755144 (VCV000755144.14), dbSNP rs377631416, ClinGen allele CA10360798.

ClinVar aggregate classification (germline): Likely benign. Review status: reviewed by expert panel (3 of 4 stars). 4 submissions from 4 submitters: Likely benign (1). 3 of the submissions do not count toward it. Last evaluated 2025-05-19.

Conditions:
Juvenile retinoschisis (RS1). Also called: X-Linked Juvenile Retinoschisis; X-linked retinoschisis. Identifiers: Orphanet 792, MedGen C3714753, MONDO:0010725, OMIM 312700.

Allele frequency attached by ClinVar (database versions not stated): gnomAD 0.00009 and 0.00010; TOPMed 0.00009; ESP Exome Variant Server 0.00019; ExAC 0.00003.
gnomAD v4.1: 19 of 1,171,613 alleles (0.0016%); highest among the groups gnomAD compares: African/African-American, 0.03%; no homozygotes.

Submissions (4):

ClinGen X-linked Inherited Retinal Disease Variant Curation Expert Panel, ClinGen
Classification: Likely benign for Juvenile retinoschisis. Last evaluated: 2025-05-19. Review status: reviewed by expert panel. Criteria: ClinGen X LinkedIRD ACMG Specifications RS1 V1.0.0. Collection method: curation. Allele origin: germline. Inheritance: X-linked inheritance.
Comment: The NM_000330.4(RS1):c.184+9C>T variant is an intronic variant at intron 3, located 9 nucleotides after exon 2. The variant does not have an impact at splicing sites according to SpliceAI, which predicts a delta score of 0.00 for all predictive splice changes, which is below the ClinGen X-linked IRD VCEP recommended threshold of <0.1 and does not strongly predict an impact on splicing (BP7). This variant is present in gnomAD v.4.1.0 at a frequency of 0.00001094 among hemizygous individuals, with 4 variant alleles / 365661 total hemizygous alleles, which is between the ClinGen X-linked IRD VCEP PM2_Supporting and BS1 threshold of <0.000002 and >0.00002 and fails to meet these criteria. The splicing impact predictor SpliceAI gives a delta score of 0.00, which is below the ClinGen X-linked IRD VCEP recommended threshold of <0.1 and does not strongly predict an impact on splicing (BP4). In summary, this variant is classified as likely benign for X-linked retinoschisis based on the ClinGen X-linked Inherited Retinal Disease Expert Panel Specifications to the ACMG/AMP Variant Interpretation Guidelines for RS1 Version 1.0.0: BP4 and BP7 (date of approval 01/24/2025).

Labcorp Genetics (formerly Invitae), Labcorp
Classification: Benign. Last evaluated: 2024-02-12. Review status: criteria provided, single submitter. Criteria: Invitae Variant Classification Sherloc (09022015). Collection method: clinical testing. Allele origin: germline. Not counted in ClinVar's aggregate classification.

Blueprint Genetics
Classification: Likely benign. Last evaluated: 2023-05-31. Review status: criteria provided, single submitter. Criteria: ACMG Guidelines, 2015. Collection method: clinical testing. Allele origin: germline. Not counted in ClinVar's aggregate classification.

Natera, Inc.
Classification: Uncertain significance for X-linked retinoschisis. Last evaluated: 2020-01-24. Review status: no assertion criteria provided. Collection method: clinical testing. Allele origin: germline. Not counted in ClinVar's aggregate classification.